The following is an entry in ClinVar:

ClinVar aggregate classification (germline): Likely benign. Review status: reviewed by expert panel (3 of 4 stars). 4 submissions from 4 submitters: Likely benign (1). 3 of the submissions do not count toward it. Last evaluated 2024-05-01.

Conditions:
Inborn genetic diseases. Identifiers: MedGen C0950123, MeSH D030342.
Primary pulmonary hypertension. Also called: Idiopathic pulmonary hypertension. Identifiers: MedGen C0152171.
Pulmonary arterial hypertension. Identifiers: Orphanet 182090, MedGen C2973725, MeSH D000081029, MONDO:0015924, HP:0002092.
Pulmonary hypertension, primary, 1 (PPH1). Also called: Pulmonary hypertension, familial primary, 1, with or without HHT. Identifiers: Orphanet 422, MedGen C4552070, MONDO:0024533, OMIM 178600.
Pulmonary venoocclusive disease 1 (PVOD1). Also called: Pulmonary venoocclusive disease 1, autosomal dominant. Identifiers: Orphanet 31837, MedGen C3887658, MONDO:0020713, OMIM 265450.

gnomAD v4.1: 100 of 1,613,660 alleles (0.0062%); highest among the groups gnomAD compares: Middle Eastern, 0.033%; no homozygotes.

Submissions (4):

Clingen Pulmonary Hypertension Variant Curation Expert Panel, ClinGen
Classification: Likely benign for Pulmonary arterial hypertension. Last evaluated: 2024-05-01. Review status: reviewed by expert panel. Criteria: ClinGen PH ACMG Specifications BMPR2 V1.1.0. Collection method: curation. Allele origin: germline. Inheritance: Autosomal dominant inheritance.
Comment: The BMPR2 missense variant c.1037C>A (p.Thr346Asn) is located in exon eight. This variant has been found with a frequency of 0.00006 in gnomAD version2.1.1 controls, although it is present above 0.1% in Ashkenazi Jewish (0.159%, 16/10,078 total alleles) (BS1_met). The variant is predicted to have no effect on protein function with REVEL score of 0.239, which meets the threshold for BP4 (<0.25). No effect on splicing predicted as SpliceAI score is 0. The missense change is located within the conserved kinase domain but there are no functional data to support the amino acid residue as critical or non-critical (PM1_met with no upgrade). In summary, the variant meets the criteria to be classified as likely benign for pulmonary arterial hypertension based on the ACMG/AMP criteria applied, as specified by the ClinGen Pulmonary Hypertension VCEP: BS1, BP4, PM1 (VCEP specification version 1.1, 1/18/2024).

Labcorp Genetics (formerly Invitae), Labcorp
Classification: Likely benign for Primary pulmonary hypertension. Last evaluated: 2025-12-21. Review status: criteria provided, single submitter. Criteria: Invitae Variant Classification Sherloc (09022015). Collection method: clinical testing. Allele origin: germline. Not counted in ClinVar's aggregate classification.

Ambry Genetics
Classification: Uncertain significance for Inborn genetic diseases. Last evaluated: 2022-06-03. Review status: criteria provided, single submitter. Criteria: Ambry Variant Classification Scheme 2023. Collection method: clinical testing. Allele origin: germline. Not counted in ClinVar's aggregate classification.

Fulgent Genetics
Classification: Likely benign for Pulmonary hypertension, primary, 1; Pulmonary venoocclusive disease 1. Last evaluated: 2022-03-11. Review status: criteria provided, single submitter. Criteria: ACMG Guidelines, 2015. Collection method: clinical testing. Allele origin: unknown. Not counted in ClinVar's aggregate classification.

NM_001204.7(BMPR2):c.1037C>A (p.Thr346Asn)

Gene: BMPR2 (bone morphogenetic protein receptor type 2; plus strand). Cytogenetic location: 2q33.2.
Variant type: single nucleotide variant.
Coding change: c.1037C>A on transcript NM_001204.7 (MANE Select); coding-DNA position 1037, C replaced by A.
Protein change: p.Thr346Asn; replaces threonine 346 with asparagine.
Molecular consequence: missense variant.
Genome position (GRCh38, 1-based): chr2:202,530,863, C>A. VCF-style: chr2-202530863-C-A. GRCh37 (hg19) VCF-style: chr2-203395586-C-A.
Other names: NM_001204.7(BMPR2):c.1037C>A; p.Thr346Asn; short protein forms T346N.
Identifiers: ClinVar variation 1112108 (VCV001112108.13), dbSNP rs757926043, ClinGen allele CA2061282.